The following is an entry in ClinVar:

ClinVar aggregate classification (germline): Pathogenic (1 of 4 stars; one submission).

Conditions:
Pelizaeus-Merzbacher disease. Also called: LEUKODYSTROPHY, HYPOMYELINATING, 1; Pelizaeus-Merzbacher spectrum disorder; Pelizaeus-Merzbacher Disease (PMD); Sudanophilic leukodystrophy; Pelizeaus-Merzbacher spectrum disorder. Identifiers: Orphanet 702, MedGen C0205711, MONDO:0010714, OMIM 312080, HP:0003269.

Submission:

Molecular Diagnostics Lab, Nemours Children's Health, Delaware
Classification: Pathogenic for Pelizaeus-Merzbacher disease. Review status: criteria provided, single submitter. Criteria: ACMG Guidelines, 2015. Collection method: clinical testing. Allele origin: maternal, unknown. Affected: yes and no. Observed: 2 heterozygotes, 4 hemizygotes.
Comment: This variant (c.406_422del, p.Glu136Phefs*62) results in a frameshift to a premature stop. It has not been observed in population databases (gnomAD). The change has been reported in the literature (PMID 24139698) but no functional studies have been published. It has been observed in 4 affected males over 2 generations in a single family.

Literature cited by the submitters: PubMed 24139698.

NM_000533.5(PLP1):c.406_422del (p.Glu136fs)

Genes: PLP1 (proteolipid protein 1; plus strand), RAB9B (RAB9B, member RAS oncogene family; minus strand). Cytogenetic location: Xq22.2.
Variant type: Deletion.
Coding change: c.406_422del on transcript NM_000533.5 (MANE Select); coding-DNA positions 406 to 422, 17 bases deleted (GAGCGGGTGTGTCATTG).
Protein change: p.Glu136fs; shifts the reading frame from glutamic acid 136.
Molecular consequence: frameshift variant. On other transcripts: intron variant (1).
Genome position (GRCh38, 1-based): chrX:103,786,679-103,786,695, GAGCGGGTGTGTCATTG deleted; deleting any 17 consecutive bases within chrX:103,786,676-103,786,695 gives the same sequence; the c. name uses the placement nearest the transcript's 3' end. VCF-style (leftmost placement, unchanged base first): chrX-103786675-TTTGGAGCGGGTGTGTCA-T. GRCh37 (hg19) VCF-style: chrX-103041604-TTTGGAGCGGGTGTGTCA-T.
Other names: c.406_422del, p.Glu136fs (NM_001128834.3); c.241_257del, p.Glu81fs (NM_001305004.1); c.348+58_348+74del (NM_199478.3); short protein forms E136fs, E81fs.
Identifiers: ClinVar variation 3252099 (VCV003252099.2), dbSNP rs2522308229.